The following is an entry in ClinVar:

ClinVar aggregate classification (germline): Uncertain significance (1 of 4 stars; one submission).

Submission:

Labcorp Genetics (formerly Invitae), Labcorp
Classification: Uncertain significance. Last evaluated: 2022-10-27. Review status: criteria provided, single submitter. Criteria: Invitae Variant Classification Sherloc (09022015). Collection method: clinical testing. Allele origin: germline.
Comment: This sequence change replaces proline, which is neutral and non-polar, with histidine, which is basic and polar, at codon 977 of the AMER1 protein (p.Pro977His). This variant is not present in population databases (gnomAD no frequency). This variant has not been reported in the literature in individuals affected with AMER1-related conditions. Algorithms developed to predict the effect of missense changes on protein structure and function output the following: SIFT: "Deleterious"; PolyPhen-2: "Benign"; Align-GVGD: "Class C0". The histidine amino acid residue is found in multiple mammalian species, which suggests that this missense change does not adversely affect protein function. In summary, the available evidence is currently insufficient to determine the role of this variant in disease. Therefore, it has been classified as a Variant of Uncertain Significance.

NM_152424.4(AMER1):c.2930C>A (p.Pro977His)

Gene: AMER1 (APC membrane recruitment protein 1; minus strand). Cytogenetic location: Xq11.2.
Variant type: single nucleotide variant.
Coding change: c.2930C>A on transcript NM_152424.4 (MANE Select); coding-DNA position 2930, C replaced by A.
Protein change: p.Pro977His; replaces proline 977 with histidine.
Molecular consequence: missense variant.
Genome position (GRCh38, 1-based): chrX:64,190,357, G>T on the plus strand (C>A on the coding strand, the complement: AMER1 is on the minus strand). VCF-style: chrX-64190357-G-T. GRCh37 (hg19) VCF-style: chrX-63410237-G-T.
Other names: short protein forms P977H.
Identifiers: ClinVar variation 2809899 (VCV002809899.3), dbSNP rs2147084963, ClinGen allele CA413301873.